The following is an entry in ClinVar:

NM_000551.4(VHL):c.*2G>T

Genes: VHL (von Hippel-Lindau tumor suppressor; plus strand), LOC107303340 (3p25 von Hippel-Lindau tumor suppressor, E3 ubiquitin protein ligase Alu-mediated recombination region; plus strand). Cytogenetic location: 3p25.3.
Variant type: single nucleotide variant.
Coding change: c.*2G>T on transcript NM_000551.4 (MANE Select); 2 bases downstream of the stop codon, G replaced by T.
Molecular consequence: 3 prime UTR variant. On other transcripts: non-coding transcript variant (1).
Genome position (GRCh38, 1-based): chr3:10,149,967, G>T. VCF-style: chr3-10149967-G-T. GRCh37 (hg19) VCF-style: chr3-10191651-G-T.
Other names: c.*198G>T (NM_001354723.2); c.*2G>T (NM_198156.3).
Identifiers: ClinVar variation 4071063 (VCV004071063.1).
Genomic context (GRCh38, chr3:10,149,967, plus strand): 5'-AGAAAGACCTGGAGCGGCTGACACAGGAGCGCATTGCACATCAACGGATGGGAGATTGAA[G>T]ATTTCTGTTGAAACTTACACTGTTTCATCTCAGCTTTTGATGGTACTGATGAGTCTTGAT-3'

ClinVar aggregate classification (germline): Benign (1 of 4 stars; one submission).

Conditions:
Von Hippel-Lindau syndrome (VHLS). Also called: Von Hippel-Lindau; von Hippel–Lindau syndrome; VHL syndrome. Identifiers: Orphanet 892, MedGen C0019562, MONDO:0008667, OMIM 193300. Disease mechanism: loss of function.

gnomAD v4.1: 1 of 1,612,618 alleles (0.000062%); highest among the groups gnomAD compares: Admixed American, 0.0017%; no homozygotes.

Submission:

Myriad Genetics, Inc.
Classification: Benign for Von Hippel-Lindau syndrome. Last evaluated: 2025-06-13. Review status: criteria provided, single submitter. Criteria: Myriad Autosomal Dominant, Autosomal Recessive and X-Linked Classification Criteria (2023). Collection method: clinical testing. Allele origin: unknown.
Comment: This variant is considered benign. This variant occurs in the non-coding 3' untranslated region of the gene, and is not expected to impact protein function.